The following continues an entry in ClinVar:

NM_002473.6(MYH9):c.4270G>A (p.Asp1424Asn)

Gene: MYH9. ClinVar aggregate classification (germline): Pathogenic/Likely pathogenic. Pathogenic (16); Likely pathogenic (1).

Submissions 16 to 19 of 19:

Juno Genomics, Hangzhou Juno Genomics, Inc
Classification: Pathogenic for Autosomal dominant nonsyndromic hearing loss 17; Macrothrombocytopenia and granulocyte inclusions with or without nephritis or sensorineural hearing loss. Review status: criteria provided, single submitter. Criteria: ACMG Guidelines, 2015. Collection method: clinical testing. Allele origin: germline. Affected: yes.
Comment: Absent from controls (or at extremely low frequency if recessive) in Genome Aggregation Database, Exome Sequencing Project, 1000 Genomes Project, or Exome Aggregation Consortium.;Multiple lines of computational evidence support a deleterious effect on the gene or gene product (conservation, evolutionary, splicing impact, etc).;Missense variant in a gene that has a low rate of benign missense variation and where missense variants are a common mechanism of disease.;Novel missense change at an amino acid residue where a different missense change determined to be pathogenic has been seen before.;Co-segregation with disease in multiple affected family members in a gene definitively known to cause the disease.;The prevalence of the variant in affected individuals is significantly increased compared to the prevalence in controls.

Suma Genomics
Classification: Pathogenic for Macrothrombocytopenia and granulocyte inclusions with or without nephritis or sensorineural hearing loss. Review status: criteria provided, single submitter. Criteria: ACMG Guidelines, 2015. Collection method: clinical testing. Allele origin: inherited. Inheritance: Autosomal dominant inheritance. Affected: yes.

OMIM
Classification: Pathogenic for MACROTHROMBOCYTOPENIA AND GRANULOCYTE INCLUSIONS WITH OR WITHOUT NEPHRITIS OR SENSORINEURAL HEARING LOSS. Last evaluated: 2003-07-15. Review status: no assertion criteria provided. Collection method: literature only. Allele origin: germline. Not counted in ClinVar's aggregate classification.

GeneReviews
No classification provided. Condition: Macrothrombocytopenia and granulocyte inclusions with or without nephritis or sensorineural hearing loss. Review status: no classification provided. Collection method: literature only. Allele origin: germline. Not counted in ClinVar's aggregate classification.
Comment: Associated with thrombocytopenia, but low risk of developing other disease manifestations over time

Literature cited by the submitters: PubMed 11159552 (cited by Labcorp Genetics (formerly Invitae), Labcorp and OMIM); PubMed 23207509 (cited by Labcorp Genetics (formerly Invitae), Labcorp); PubMed 15339844 (cited by Labcorp Genetics (formerly Invitae), Labcorp and Mayo Clinic Laboratories, Mayo Clinic); PubMed 12621333 (cited by Mayo Clinic Laboratories, Mayo Clinic and OMIM); PubMed 12649151 (cited by 3 submitters); PubMed 19572073 (cited by Mayo Clinic Laboratories, Mayo Clinic); PubMed 20221761 (cited by Mayo Clinic Laboratories, Mayo Clinic); PubMed 21542825 (cited by Mayo Clinic Laboratories, Mayo Clinic); PubMed 21908426 (cited by Mayo Clinic Laboratories, Mayo Clinic); PubMed 24186861 (cited by Mayo Clinic Laboratories, Mayo Clinic); PubMed 25752999 (cited by Mayo Clinic Laboratories, Mayo Clinic); PubMed 26942920 (cited by Mayo Clinic Laboratories, Mayo Clinic); PubMed 29090586 (cited by Mayo Clinic Laboratories, Mayo Clinic and ISTH-SSC Genomics in Thrombosis and Hemostasis, KU Leuven, Center for Molecular and Vascular Biology); PubMed 29451856 (cited by Mayo Clinic Laboratories, Mayo Clinic); PubMed 32315395 (cited by Mayo Clinic Laboratories, Mayo Clinic); PubMed 33855781 (cited by Mayo Clinic Laboratories, Mayo Clinic); PubMed 35584211 (cited by Mayo Clinic Laboratories, Mayo Clinic); PubMed 38650331 (cited by Mayo Clinic Laboratories, Mayo Clinic); PubMed 26226608 (cited by Women's Health and Genetics/Laboratory Corporation of America, LabCorp); PubMed 34355501 (cited by ISTH-SSC Genomics in Thrombosis and Hemostasis, KU Leuven, Center for Molecular and Vascular Biology); PubMed 11590545 (cited by OMIM); PubMed 1449176 (cited by OMIM); PubMed 12792306 (cited by OMIM); NCBI Bookshelf NBK2689 (cited by GeneReviews).